The following is an entry in ClinVar:

ClinVar aggregate classification (germline): Uncertain significance (1 of 4 stars; one submission).

gnomAD v4.1: 1 of 1,613,890 alleles (0.000062%); highest among the groups gnomAD compares: Non-Finnish European, 0.000085%; no homozygotes.

Submission:

GeneDx
Classification: Uncertain significance. Last evaluated: 2023-12-22. Review status: criteria provided, single submitter. Criteria: GeneDx Variant Classification Process June 2021. Collection method: clinical testing. Allele origin: germline. Affected: yes.
Comment: Not observed at significant frequency in large population cohorts (gnomAD); In silico analysis supports that this missense variant has a deleterious effect on protein structure/function; Has not been previously published as pathogenic or benign to our knowledge

NM_001961.4(EEF2):c.1483C>T (p.Arg495Trp)

Gene: EEF2 (eukaryotic translation elongation factor 2; minus strand). Cytogenetic location: 19p13.3.
Variant type: single nucleotide variant.
Coding change: c.1483C>T on transcript NM_001961.4 (MANE Select); coding-DNA position 1483, C replaced by T.
Protein change: p.Arg495Trp; replaces arginine 495 with tryptophan.
Molecular consequence: missense variant.
Genome position (GRCh38, 1-based): chr19:3,979,930, G>A on the plus strand (C>T on the coding strand, the complement: EEF2 is on the minus strand). VCF-style: chr19-3979930-G-A. GRCh37 (hg19) VCF-style: chr19-3979928-G-A.
Other names: short protein forms R495W.
Identifiers: ClinVar variation 3370241 (VCV003370241.1).